The following is an entry in ClinVar:

ClinVar aggregate classification (germline): Pathogenic (1 of 4 stars; one submission).

Submission:

Labcorp Genetics (formerly Invitae), Labcorp
Classification: Pathogenic. Last evaluated: 2023-07-14. Review status: criteria provided, single submitter. Criteria: Invitae Variant Classification Sherloc (09022015). Collection method: clinical testing. Allele origin: germline.
Comment: For these reasons, this variant has been classified as Pathogenic. ClinVar contains an entry for this variant (Variation ID: 1389306). This variant has not been reported in the literature in individuals affected with NBAS-related conditions. This variant is not present in population databases (gnomAD no frequency). This sequence change creates a premature translational stop signal (p.Leu1244Valfs*27) in the NBAS gene. It is expected to result in an absent or disrupted protein product. Loss-of-function variants in NBAS are known to be pathogenic (PMID: 26073778, 26541327, 27789416, 28031453).

Literature cited by the submitters: PubMed 26073778; PubMed 26541327; PubMed 27789416; PubMed 28031453.

NM_015909.4(NBAS):c.3728_3729dup (p.Leu1244fs)

Gene: NBAS (NBAS subunit of NRZ tethering complex; minus strand). Cytogenetic location: 2p24.3.
Variant type: Duplication.
Coding change: c.3728_3729dup on transcript NM_015909.4 (MANE Select); coding-DNA positions 3728 to 3729, 2 bases duplicated (GT; older notation c.3728_3729dupGT).
Protein change: p.Leu1244fs; shifts the reading frame from leucine 1244.
Molecular consequence: frameshift variant. On other transcripts: non-coding transcript variant (1).
Genome position (GRCh38, 1-based): chr2:15,366,668-15,366,669, AC duplicated on the plus strand (GT on the coding strand, the reverse complement: NBAS is on the minus strand). VCF-style (leftmost placement, unchanged base first): chr2-15366667-G-GAC. GRCh37 (hg19) VCF-style: chr2-15506791-G-GAC.
Other names: short protein forms L1244fs.
Identifiers: ClinVar variation 1389306 (VCV001389306.6), dbSNP rs2148340009, ClinGen allele CA2573133111.